The following is an entry in ClinVar:

NM_177550.5(SLC13A5):c.1172T>C (p.Phe391Ser)

Gene: SLC13A5 (solute carrier family 13 member 5; minus strand). Cytogenetic location: 17p13.1.
Variant type: single nucleotide variant.
Coding change: c.1172T>C on transcript NM_177550.5 (MANE Select); coding-DNA position 1172, T replaced by C.
Protein change: p.Phe391Ser; replaces phenylalanine 391 with serine.
Molecular consequence: missense variant.
Genome position (GRCh38, 1-based): chr17:6,693,147, A>G on the plus strand (T>C on the coding strand, the complement: SLC13A5 is on the minus strand). VCF-style: chr17-6693147-A-G. GRCh37 (hg19) VCF-style: chr17-6596466-A-G.
Other names: c.1172T>C, p.Phe391Ser (NM_001143838.3); c.1121T>C, p.Phe374Ser (NM_001284509.2); c.1043T>C, p.Phe348Ser (NM_001284510.2); short protein forms F348S, F374S, F391S.
Identifiers: ClinVar variation 864803 (VCV000864803.7), dbSNP rs777258503, ClinGen allele CA8331469.

ClinVar aggregate classification (germline): Uncertain significance (1 of 4 stars; one submission).

Conditions:
Developmental and epileptic encephalopathy, 25 (DEE25). Also called: Developmental and epileptic encephalopathy 25, with amelogenesis imperfecta; Epileptic encephalopathy, early infantile, 25, with amelogenesis imperfecta; Epileptic encephalopathy, early infantile, 25. Identifiers: Orphanet 442835, MedGen C4014621, MONDO:0014392, OMIM 615905.

Allele frequency attached by ClinVar (database versions not stated): gnomAD exomes below 0.00001; ExAC 0.00001; gnomAD 0.00002 and 0.00003; TOPMed 0.00004.
gnomAD v4.1: 5 of 1,598,124 alleles (0.00031%); highest among the groups gnomAD compares: African/African-American, 0.0068%; no homozygotes.

Submission:

Labcorp Genetics (formerly Invitae), Labcorp
Classification: Uncertain significance for Developmental and epileptic encephalopathy, 25. Last evaluated: 2025-01-06. Review status: criteria provided, single submitter. Criteria: Invitae Variant Classification Sherloc (09022015). Collection method: clinical testing. Allele origin: germline.
Comment: This sequence change replaces phenylalanine, which is neutral and non-polar, with serine, which is neutral and polar, at codon 391 of the SLC13A5 protein (p.Phe391Ser). This variant is present in population databases (rs777258503, gnomAD 0.007%). This variant has not been reported in the literature in individuals affected with SLC13A5-related conditions. ClinVar contains an entry for this variant (Variation ID: 864803). An algorithm developed to predict the effect of missense changes on protein structure and function (PolyPhen-2) suggests that this variant¬†is likely to be tolerated. In summary, the available evidence is currently insufficient to determine the role of this variant in disease. Therefore, it has been classified as a Variant of Uncertain Significance.